The following is an entry in ClinVar:

ClinVar aggregate classification (germline): Benign (1 of 4 stars; one submission).

Conditions:
Juvenile polyposis syndrome (JPS). Identifiers: Orphanet 2929, MedGen C0345893, MONDO:0017380, OMIM 174900.

Submission:

Myriad Genetics, Inc.
Classification: Benign for Juvenile polyposis syndrome. Last evaluated: 2024-08-06. Review status: criteria provided, single submitter. Criteria: Myriad Autosomal Dominant, Autosomal Recessive and X-Linked Classification Criteria (2023). Collection method: clinical testing. Allele origin: unknown.
Comment: This variant is considered benign. This variant is a silent/synonymous amino acid change and it is not expected to impact splicing.

NM_004329.3(BMPR1A):c.1005T>A (p.Ala335=)

Gene: BMPR1A (bone morphogenetic protein receptor type 1A; plus strand). Cytogenetic location: 10q23.2.
Variant type: single nucleotide variant.
Coding change: c.1005T>A on transcript NM_004329.3 (MANE Select); coding-DNA position 1005, T replaced by A.
Protein change: p.Ala335=; no amino-acid change (alanine 335 retained).
Molecular consequence: synonymous variant. On other transcripts: non-coding transcript variant (3).
Genome position (GRCh38, 1-based): chr10:86,919,308, T>A. VCF-style: chr10-86919308-T-A. GRCh37 (hg19) VCF-style: chr10-88679065-T-A.
Other names: c.1080T>A, p.Ala360= (NM_001406559.1); c.1053T>A, p.Ala351= (NM_001406560.1); c.1005T>A, p.Ala335= (NM_001406561.1, NM_001406562.1, NM_001406563.1 and 19 more transcripts); c.921T>A, p.Ala307= (NM_001406585.1, NM_001406586.1, NM_001406587.1 and 2 more transcripts); c.663T>A, p.Ala221= (NM_001406589.1); c.999T>A, p.Ala333= (NM_001406583.1).
Identifiers: ClinVar variation 3378921 (VCV003378921.1).